The following is an entry in ClinVar:

ClinVar aggregate classification (germline): Uncertain significance. Review status: criteria provided, multiple submitters, no conflicts (2 of 4 stars). 2 submissions from 2 submitters: Uncertain significance (2). Last evaluated 2022-05-27.

Conditions:
UDPglucose-4-epimerase deficiency. Also called: UDP-GALACTOSE-4-EPIMERASE DEFICIENCY; Galactose epimerase deficiency; GALACTOSEMIA III; GALE DEFICIENCY; Epimerase Deficiency Galactosemia; UDPglucose 4-Epimerase Deficiency Disease. Identifiers: Orphanet 352, Orphanet 79238, MedGen C0751161, MONDO:0009257, OMIM 230350.

Allele frequency attached by ClinVar (database versions not stated): TOPMed 0.00002; gnomAD 0.00003; gnomAD exomes 0.00004.
gnomAD v4.1: 59 of 1,612,854 alleles (0.0037%); highest among the groups gnomAD compares: Non-Finnish European, 0.0049%; no homozygotes.

Submissions (2):

Clinical Genetics Laboratory, Skane University Hospital Lund
Classification: Uncertain significance. Last evaluated: 2022-05-27. Review status: criteria provided, single submitter. Criteria: ACMG Guidelines, 2015. Collection method: clinical testing. Allele origin: germline. Affected: yes.

Labcorp Genetics (formerly Invitae), Labcorp
Classification: Uncertain significance for UDPglucose-4-epimerase deficiency. Last evaluated: 2021-08-24. Review status: criteria provided, single submitter. Criteria: Invitae Variant Classification Sherloc (09022015). Collection method: clinical testing. Allele origin: germline.
Comment: This sequence change replaces alanine with threonine at codon 254 of the GALE protein (p.Ala254Thr). The alanine residue is highly conserved and there is a small physicochemical difference between alanine and threonine. This variant is not present in population databases (ExAC no frequency). This variant has not been reported in the literature in individuals affected with GALE-related conditions. Algorithms developed to predict the effect of missense changes on protein structure and function (SIFT, PolyPhen-2, Align-GVGD) all suggest that this variant is likely to be disruptive. In summary, the available evidence is currently insufficient to determine the role of this variant in disease. Therefore, it has been classified as a Variant of Uncertain Significance.

NM_001008216.2(GALE):c.760G>A (p.Ala254Thr)

Gene: GALE (UDP-galactose-4-epimerase; minus strand). Cytogenetic location: 1p36.11.
Variant type: single nucleotide variant.
Coding change: c.760G>A on transcript NM_001008216.2 (MANE Select); coding-DNA position 760, G replaced by A.
Protein change: p.Ala254Thr; replaces alanine 254 with threonine.
Molecular consequence: missense variant.
Genome position (GRCh38, 1-based): chr1:23,796,732, C>T on the plus strand (G>A on the coding strand, the complement: GALE is on the minus strand). VCF-style: chr1-23796732-C-T. GRCh37 (hg19) VCF-style: chr1-24123222-C-T.
Other names: c.760G>A, p.Ala254Thr (NM_000403.4, NM_001127621.2); short protein forms A254T.
Identifiers: ClinVar variation 661680 (VCV000661680.7), dbSNP rs926654478, ClinGen allele CA19278656.